The following is an entry in ClinVar:

ClinVar aggregate classification (germline): Uncertain significance (1 of 4 stars; one submission).

gnomAD v4.1: 205 of 1,605,482 alleles (0.013%); highest among the groups gnomAD compares: Non-Finnish European, 0.015%; no homozygotes.

Submission:

GeneDx
Classification: Uncertain significance. Last evaluated: 2025-04-30. Review status: criteria provided, single submitter. Criteria: GeneDx Variant Classification Process June 2021. Collection method: clinical testing. Allele origin: germline. Affected: yes.
Comment: In silico analysis indicates that this missense variant does not alter protein structure/function; Has not been previously published as pathogenic or benign to our knowledge

NM_006045.3(ATP9A):c.2810C>T (p.Thr937Ile)

Gene: ATP9A (ATPase phospholipid transporting 9A (putative); minus strand). Cytogenetic location: 20q13.2.
Variant type: single nucleotide variant.
Coding change: c.2810C>T on transcript NM_006045.3 (MANE Select); coding-DNA position 2810, C replaced by T.
Protein change: p.Thr937Ile; replaces threonine 937 with isoleucine.
Molecular consequence: missense variant.
Genome position (GRCh38, 1-based): chr20:51,605,014, G>A on the plus strand (C>T on the coding strand, the complement: ATP9A is on the minus strand). VCF-style: chr20-51605014-G-A. GRCh37 (hg19) VCF-style: chr20-50221553-G-A.
Other names: short protein forms T937I.
Identifiers: ClinVar variation 4527878 (VCV004527878.1).